The following is an entry in ClinVar:

ClinVar aggregate classification (germline): Uncertain significance (1 of 4 stars; one submission).

Submission:

Ambry Genetics
Classification: Uncertain significance. Last evaluated: 2025-03-17. Review status: criteria provided, single submitter. Criteria: Ambry Variant Classification Scheme 2023. Collection method: clinical testing. Allele origin: germline.
Comment: The c.712A>G (p.K238E) alteration is located in exon 7 (coding exon 7) of the ZMYND8 gene. This alteration results from an A to G substitution at nucleotide position 712, causing the lysine (K) at amino acid position 238 to be replaced by a glutamic acid (E). This variant was not reported in population-based cohorts in the Genome Aggregation Database (gnomAD). This amino acid position is highly conserved in available vertebrate species. This missense alteration is located in a region that has a low rate of benign missense variation (Lek, 2016; Firth, 2009). The in silico prediction for this alteration is inconclusive. Based on insufficient or conflicting evidence, the clinical significance of this alteration remains unclear.

NM_001281775.3(ZMYND8):c.712A>G (p.Lys238Glu)

Gene: ZMYND8 (zinc finger MYND-type containing 8; minus strand). Cytogenetic location: 20q13.12.
Variant type: single nucleotide variant.
Coding change: c.712A>G on transcript NM_001281775.3 (MANE Select); coding-DNA position 712, A replaced by G.
Protein change: p.Lys238Glu; replaces lysine 238 with glutamic acid.
Molecular consequence: missense variant. On other transcripts: 5 prime UTR variant (2).
Genome position (GRCh38, 1-based): chr20:47,290,223, T>C on the plus strand (A>G on the coding strand, the complement: ZMYND8 is on the minus strand). VCF-style: chr20-47290223-T-C. GRCh37 (hg19) VCF-style: chr20-45918967-T-C.
Other names: c.637A>G, p.Lys213Glu (NM_001281771.3, NM_001281777.3, NM_001281778.3 and 4 more transcripts); c.652A>G, p.Lys218Glu (NM_001281772.3, NM_001281773.3, NM_001281774.3 and 1 more transcripts); c.712A>G, p.Lys238Glu (NM_001281776.3, NM_001281783.3, NM_012408.6 and 1 more transcripts); c.-224A>G (NM_001281779.3, NM_001281780.3); c.733A>G, p.Lys245Glu (NM_001363714.1); short protein forms K213E, K218E, K238E, K245E.
Identifiers: ClinVar variation 3819620 (VCV003819620.2).
Genomic context (GRCh38, chr20:47,290,223, plus strand): 5'-TTAGGAGTCATCTAAGCCACTCACCCCCATTATAAATGATGCAGTTGTGCAAAATCCACT[T>C]TGCATCAGCCAGGAAGGCTTCTGTGCAGCCATACATTTTCTTTTTCGCATTCTGGGAAGA-3'
Protein context (NP_001268704.1, residues 228-248): GCTEAFLADA[Lys238Glu]WILHNCIIYN